The following is an entry in ClinVar:

ClinVar aggregate classification (germline): Uncertain significance (1 of 4 stars; one submission).

Conditions:
Nemaline myopathy 6 (NEM6). Also called: Nemaline myopathy 6, autosomal dominant. Identifiers: Orphanet 171439, MedGen C1836472, MONDO:0012237, OMIM 609273.

Submission:

Labcorp Genetics (formerly Invitae), Labcorp
Classification: Uncertain significance for Nemaline myopathy 6. Last evaluated: 2021-10-26. Review status: criteria provided, single submitter. Criteria: Invitae Variant Classification Sherloc (09022015). Collection method: clinical testing. Allele origin: germline.
Comment: This sequence change replaces asparagine with serine at codon 209 of the KBTBD13 protein (p.Asn209Ser). The asparagine residue is highly conserved and there is a small physicochemical difference between asparagine and serine. The frequency data for this variant in the population databases is considered unreliable, as metrics indicate insufficient coverage at this position in the ExAC database. This variant has not been reported in the literature in individuals affected with KBTBD13-related conditions. Algorithms developed to predict the effect of missense changes on protein structure and function are either unavailable or do not agree on the potential impact of this missense change (SIFT: "Deleterious"; PolyPhen-2: "Probably Damaging"; Align-GVGD: "Class C0"). In summary, the available evidence is currently insufficient to determine the role of this variant in disease. Therefore, it has been classified as a Variant of Uncertain Significance.

NM_001101362.3(KBTBD13):c.626A>G (p.Asn209Ser)

Gene: KBTBD13 (kelch repeat and BTB domain containing 13; plus strand). Cytogenetic location: 15q22.31.
Variant type: single nucleotide variant.
Coding change: c.626A>G on transcript NM_001101362.3 (MANE Select); coding-DNA position 626, A replaced by G.
Protein change: p.Asn209Ser; replaces asparagine 209 with serine.
Molecular consequence: missense variant.
Genome position (GRCh38, 1-based): chr15:65,077,441, A>G. VCF-style: chr15-65077441-A-G. GRCh37 (hg19) VCF-style: chr15-65369779-A-G.
Other names: short protein forms N209S.
Identifiers: ClinVar variation 1389469 (VCV001389469.6), dbSNP rs1039913863, ClinGen allele CA271503807.